The following is an entry in ClinVar:

NM_032242.4(PLXNA1):c.3796G>A (p.Ala1266Thr)

Gene: PLXNA1 (plexin A1; plus strand). Cytogenetic location: 3q21.3.
Variant type: single nucleotide variant.
Coding change: c.3796G>A on transcript NM_032242.4 (MANE Select); coding-DNA position 3796, G replaced by A.
Protein change: p.Ala1266Thr; replaces alanine 1266 with threonine.
Molecular consequence: missense variant.
Genome position (GRCh38, 1-based): chr3:127,018,429, G>A. VCF-style: chr3-127018429-G-A. GRCh37 (hg19) VCF-style: chr3-126737272-G-A.
Other names: short protein forms A1266T.
Identifiers: ClinVar variation 4986757 (VCV004986757.1).

ClinVar aggregate classification (germline): Uncertain significance (1 of 4 stars; one submission).

Conditions:
PLXNA1-related disorder. Also called: PLXNA1-related condition.

Submission:

PreventionGenetics, part of Exact Sciences
Classification: Uncertain significance for PLXNA1-related condition. Last evaluated: 2025-04-21. Review status: criteria provided, single submitter. Criteria: ACMG Guidelines, 2015. Collection method: clinical testing. Allele origin: germline.
Comment: The PLXNA1 c.3796G>A variant is predicted to result in the amino acid substitution p.Ala1266Thr. To our knowledge, this variant has not been reported in the literature. This variant is reported in 0.00089% of alleles in individuals of European (Non-Finnish) descent in gnomAD. At this time, the clinical significance of this variant is uncertain due to the absence of conclusive functional and genetic evidence.